The following is an entry in ClinVar:

ClinVar aggregate classification (germline): Uncertain significance (1 of 4 stars; one submission).

Conditions:
Nemaline myopathy 6 (NEM6). Also called: Nemaline myopathy 6, autosomal dominant. Identifiers: Orphanet 171439, MedGen C1836472, MONDO:0012237, OMIM 609273.

Allele frequency attached by ClinVar (database versions not stated): TOPMed below 0.00001.
gnomAD v4.1: 6 of 1,525,940 alleles (0.00039%); highest among the groups gnomAD compares: Non-Finnish European, 0.00044%; no homozygotes.

Submission:

Labcorp Genetics (formerly Invitae), Labcorp
Classification: Uncertain significance for Nemaline myopathy 6. Last evaluated: 2022-02-01. Review status: criteria provided, single submitter. Criteria: Invitae Variant Classification Sherloc (09022015). Collection method: clinical testing. Allele origin: germline.
Comment: This sequence change replaces aspartic acid, which is acidic and polar, with asparagine, which is neutral and polar, at codon 234 of the KBTBD13 protein (p.Asp234Asn). This variant is not present in population databases (gnomAD no frequency). This variant has not been reported in the literature in individuals affected with KBTBD13-related conditions. Algorithms developed to predict the effect of missense changes on protein structure and function (SIFT, PolyPhen-2, Align-GVGD) all suggest that this variant is likely to be tolerated. In summary, the available evidence is currently insufficient to determine the role of this variant in disease. Therefore, it has been classified as a Variant of Uncertain Significance.

NM_001101362.3(KBTBD13):c.700G>A (p.Asp234Asn)

Gene: KBTBD13 (kelch repeat and BTB domain containing 13; plus strand). Cytogenetic location: 15q22.31.
Variant type: single nucleotide variant.
Coding change: c.700G>A on transcript NM_001101362.3 (MANE Select); coding-DNA position 700, G replaced by A.
Protein change: p.Asp234Asn; replaces aspartic acid 234 with asparagine.
Molecular consequence: missense variant.
Genome position (GRCh38, 1-based): chr15:65,077,515, G>A. VCF-style: chr15-65077515-G-A. GRCh37 (hg19) VCF-style: chr15-65369853-G-A.
Other names: short protein forms D234N.
Identifiers: ClinVar variation 2159714 (VCV002159714.4), dbSNP rs2086993166, ClinGen allele CA392862464.
Genomic context (GRCh38, chr15:65,077,515, plus strand): 5'-GTGGGGGGCGTGCGCGGCGCCAGCAAGGAGGTGGTAGAGCTGGGCTTCTGCTACGACCCC[G>A]ACGGCGGCACGTGGCACGAGTTCCCCAGCCCGCACCAGCCGCGCTATGACACAGCGCTGG-3'
Protein context (NP_001094832.1, residues 224-244): VVELGFCYDP[Asp234Asn]GGTWHEFPSP